The following is an entry in ClinVar:

NM_000719.7(CACNA1C):c.5047A>G (p.Met1683Val)

Genes: CACNA1C (calcium voltage-gated channel subunit alpha1 C; plus strand), CACNA1C-AS1 (CACNA1C antisense RNA 1; minus strand). Cytogenetic location: 12p13.33.
Variant type: single nucleotide variant.
Coding change: c.5047A>G on transcript NM_000719.7 (MANE Select); coding-DNA position 5047, A replaced by G.
Protein change: p.Met1683Val; replaces methionine 1683 with valine.
Molecular consequence: missense variant. On other transcripts: non-coding transcript variant (1).
Genome position (GRCh38, 1-based): chr12:2,677,823, A>G. VCF-style: chr12-2677823-A-G. GRCh37 (hg19) VCF-style: chr12-2786989-A-G.
Other names: c.5191A>G, p.Met1731Val (NM_001129827.2, NM_199460.4); c.5170A>G, p.Met1724Val (NM_001129829.2); c.5047A>G, p.Met1683Val (NM_001129830.3, NM_001129840.2, NM_001129841.2 and 4 more transcripts); c.5131A>G, p.Met1711Val (NM_001129831.2); c.5107A>G, p.Met1703Val (NM_001129832.2); c.5104A>G, p.Met1702Val (NM_001129833.2, NM_001129834.2, NM_001129835.2); c.5098A>G, p.Met1700Val (NM_001129836.2); c.5071A>G, p.Met1691Val (NM_001129837.2, NM_001129838.2); and 3 more; short protein forms M1672V, M1680V, M1691V, M1702V, M1703V, M1711V, M1724V, M1683V.
Identifiers: ClinVar variation 1353400 (VCV001353400.8), dbSNP rs1337057545, ClinGen allele CA383378367.

ClinVar aggregate classification (germline): Uncertain significance (1 of 4 stars; one submission).

Conditions:
Long QT syndrome (LQTS). Identifiers: MedGen C0023976, MeSH D008133, MONDO:0002442. Disease mechanism: loss of function. Inheritance: Various modes of inheritance.

Allele frequency attached by ClinVar (database versions not stated): gnomAD exomes below 0.00001 and 0.00001.

Submission:

Labcorp Genetics (formerly Invitae), Labcorp
Classification: Uncertain significance for Long QT syndrome. Last evaluated: 2021-05-13. Review status: criteria provided, single submitter. Criteria: Invitae Variant Classification Sherloc (09022015). Collection method: clinical testing. Allele origin: germline.
Comment: This variant is not present in population databases (ExAC no frequency). This variant has not been reported in the literature in individuals with CACNA1C-related conditions. Algorithms developed to predict the effect of missense changes on protein structure and function are either unavailable or do not agree on the potential impact of this missense change (SIFT: "Deleterious"; PolyPhen-2: "Benign"; Align-GVGD: "Class C0"). In summary, the available evidence is currently insufficient to determine the role of this variant in disease. Therefore, it has been classified as a Variant of Uncertain Significance. This sequence change replaces methionine with valine at codon 1683 of the CACNA1C protein (p.Met1683Val). The methionine residue is moderately conserved and there is a small physicochemical difference between methionine and valine.